The following is an entry in ClinVar:

NM_002691.4(POLD1):c.1137+5C>T

Gene: POLD1 (DNA polymerase delta 1, catalytic subunit; plus strand). Cytogenetic location: 19q13.33.
Variant type: single nucleotide variant.
Coding change: c.1137+5C>T on transcript NM_002691.4 (MANE Select); 5 bases into the intron after coding-DNA position 1137, C replaced by T.
Molecular consequence: intron variant.
Genome position (GRCh38, 1-based): chr19:50,403,224, C>T. VCF-style: chr19-50403224-C-T. GRCh37 (hg19) VCF-style: chr19-50906481-C-T.
Other names: c.1137+5C>T (NM_001256849.1, NM_001308632.1).
Identifiers: ClinVar variation 1417776 (VCV001417776.6), dbSNP rs2122272474, ClinGen allele CA2573156570.
Genomic context (GRCh38, chr19:50,403,224, plus strand): 5'-CCCCCATCCTGGGTGCCAAGGTGCAGAGCTACGAGAAGGAGGAGGACCTGCTGCAGGTAG[C>T]TCTCGCTCCACGCCCCACACCATTTCCCGGGGTCCCCGCCAGCCTCCGCGTCCTGAGCCA-3'

ClinVar aggregate classification (germline): Uncertain significance (1 of 4 stars; one submission).

Conditions:
POLD1-related polyposis and colorectal cancer syndrome (CRCS10). Also called: Colorectal cancer, susceptibility to, 10; Colorectal cancer 10; COLORECTAL CANCER, SUSCEPTIBILITY TO, ON CHROMOSOME 19q. Identifiers: Orphanet 220460, MedGen C2675481, MONDO:0012953, OMIM 612591.

Allele frequency attached by ClinVar (database versions not stated): gnomAD exomes below 0.00001.

Submission:

Labcorp Genetics (formerly Invitae), Labcorp
Classification: Uncertain significance for POLD1-related polyposis and colorectal cancer syndrome. Last evaluated: 2025-05-28. Review status: criteria provided, single submitter. Criteria: Invitae Variant Classification Sherloc (09022015). Collection method: clinical testing. Allele origin: germline.
Comment: This sequence change falls in intron 9 of the POLD1 gene. It does not directly change the encoded amino acid sequence of the POLD1 protein. It affects a nucleotide within the consensus splice site. This variant is not present in population databases (gnomAD no frequency). This variant has not been reported in the literature in individuals affected with POLD1-related conditions. ClinVar contains an entry for this variant (Variation ID: 1417776). Variants that disrupt the consensus splice site are a relatively common cause of aberrant splicing (PMID: 17576681, 9536098). Algorithms developed to predict the effect of sequence changes on RNA splicing suggest that this variant is not likely to affect RNA splicing. In summary, the available evidence is currently insufficient to determine the role of this variant in disease. Therefore, it has been classified as a Variant of Uncertain Significance.

Literature cited by the submitters: PubMed 17576681; PubMed 9536098.